The following is an entry in ClinVar:

NM_002850.4(PTPRS):c.1380C>T (p.Tyr460=)

Gene: PTPRS (protein tyrosine phosphatase receptor type S; minus strand). Cytogenetic location: 19p13.3.
Variant type: single nucleotide variant.
Coding change: c.1380C>T on transcript NM_002850.4 (MANE Select); coding-DNA position 1380, C replaced by T.
Protein change: p.Tyr460=; no amino-acid change (tyrosine 460 retained).
Molecular consequence: synonymous variant.
Genome position (GRCh38, 1-based): chr19:5,244,091, G>A on the plus strand (C>T on the coding strand, the complement: PTPRS is on the minus strand). VCF-style: chr19-5244091-G-A. GRCh37 (hg19) VCF-style: chr19-5244102-G-A.
Other names: c.1341C>T, p.Tyr447= (NM_001394011.1, NM_001394012.1, NM_001394013.1 and 2 more transcripts); c.1353C>T, p.Tyr451= (NM_130855.3).
Identifiers: ClinVar variation 3036463 (VCV003036463.2), dbSNP rs567774081, ClinGen allele CA9110370.

ClinVar aggregate classification (germline): Likely benign (0 of 4 stars; one submission).

Conditions:
PTPRS-related disorder. Also called: PTPRS-related condition.

Allele frequency attached by ClinVar (database versions not stated): gnomAD exomes 0.00001; TOPMed 0.00003; gnomAD 0.00005; ExAC 0.00006.
gnomAD v4.1: 46 of 1,610,048 alleles (0.0029%); highest among the groups gnomAD compares: South Asian, 0.02%; 3 homozygotes.

Submission:

PreventionGenetics, part of Exact Sciences
Classification: Likely benign for PTPRS-related condition. Last evaluated: 2023-04-20. Review status: no assertion criteria provided. Collection method: clinical testing. Allele origin: germline.
Comment: This variant is classified as likely benign based on ACMG/AMP sequence variant interpretation guidelines (Richards et al. 2015 PMID: 25741868, with internal and published modifications).